The following is an entry in ClinVar:

NM_001042492.3(NF1):c.3896A>C (p.Lys1299Thr)

Gene: NF1 (neurofibromin 1; plus strand). Cytogenetic location: 17q11.2.
Variant type: single nucleotide variant.
Coding change: c.3896A>C on transcript NM_001042492.3 (MANE Select); coding-DNA position 3896, A replaced by C.
Protein change: p.Lys1299Thr; replaces lysine 1299 with threonine.
Molecular consequence: missense variant.
Genome position (GRCh38, 1-based): chr17:31,235,943, A>C. VCF-style: chr17-31235943-A-C. GRCh37 (hg19) VCF-style: chr17-29562961-A-C.
Other names: c.3896A>C, p.Lys1299Thr (NM_000267.4); short protein forms K1299T.
Identifiers: ClinVar variation 2066253 (VCV002066253.4), dbSNP rs2151438549, ClinGen allele CA398993069.

ClinVar aggregate classification (germline): Uncertain significance (1 of 4 stars; one submission).

Conditions:
Neurofibromatosis, type 1 (NF1). Also called: NEUROFIBROMATOSIS, TYPE I, SOMATIC; VON RECKLINGHAUSEN DISEASE; Peripheral type neurofibromatosis; Neurofibromatosis, type I. Identifiers: Orphanet 636, MedGen C0027831, MONDO:0018975, OMIM 162200. Disease mechanism: loss of function.

Submission:

Labcorp Genetics (formerly Invitae), Labcorp
Classification: Uncertain significance for Neurofibromatosis, type 1. Last evaluated: 2022-01-10. Review status: criteria provided, single submitter. Criteria: Invitae Variant Classification Sherloc (09022015). Collection method: clinical testing. Allele origin: germline.
Comment: This sequence change replaces lysine, which is basic and polar, with threonine, which is neutral and polar, at codon 1299 of the NF1 protein (p.Lys1299Thr). This variant is not present in population databases (gnomAD no frequency). This variant has not been reported in the literature in individuals affected with NF1-related conditions. Algorithms developed to predict the effect of missense changes on protein structure and function are either unavailable or do not agree on the potential impact of this missense change (SIFT: "Deleterious"; PolyPhen-2: "Probably Damaging"; Align-GVGD: "Class C0"). In summary, the available evidence is currently insufficient to determine the role of this variant in disease. Therefore, it has been classified as a Variant of Uncertain Significance.